The following is an entry in ClinVar:

ClinVar aggregate classification (germline): Uncertain significance (1 of 4 stars; one submission).

Submission:

Labcorp Genetics (formerly Invitae), Labcorp
Classification: Uncertain significance. Last evaluated: 2025-10-03. Review status: criteria provided, single submitter. Criteria: Invitae Variant Classification Sherloc (09022015). Collection method: clinical testing. Allele origin: germline.
Comment: This sequence change replaces proline, which is neutral and non-polar, with serine, which is neutral and polar, at codon 520 of the BICC1 protein (p.Pro520Ser). This variant is not present in population databases (gnomAD no frequency). This variant has not been reported in the literature in individuals affected with BICC1-related conditions. An algorithm developed to predict the effect of missense changes on protein structure and function (PolyPhen-2) suggests that this variant is likely to be disruptive. In summary, the available evidence is currently insufficient to determine the role of this variant in disease. Therefore, it has been classified as a Variant of Uncertain Significance.

NM_001080512.3(BICC1):c.1558C>T (p.Pro520Ser)

Gene: BICC1 (BicC family RNA binding protein 1; plus strand). Cytogenetic location: 10q21.1.
Variant type: single nucleotide variant.
Coding change: c.1558C>T on transcript NM_001080512.3 (MANE Select); coding-DNA position 1558, C replaced by T.
Protein change: p.Pro520Ser; replaces proline 520 with serine.
Molecular consequence: missense variant.
Genome position (GRCh38, 1-based): chr10:58,799,085, C>T. VCF-style: chr10-58799085-C-T. GRCh37 (hg19) VCF-style: chr10-60558845-C-T.
Other names: short protein forms P520S.
Identifiers: ClinVar variation 4716781 (VCV004716781.1).